The following is an entry in ClinVar:

NM_001289104.2(PRKCSH):c.1477G>A (p.Gly493Arg)

Gene: PRKCSH (PRKCSH beta subunit of glucosidase II; plus strand). Cytogenetic location: 19p13.2.
Variant type: single nucleotide variant.
Coding change: c.1477G>A on transcript NM_001289104.2 (MANE Select); coding-DNA position 1477, G replaced by A.
Protein change: p.Gly493Arg; replaces glycine 493 with arginine.
Molecular consequence: missense variant.
Genome position (GRCh38, 1-based): chr19:11,449,281, G>A. VCF-style: chr19-11449281-G-A. GRCh37 (hg19) VCF-style: chr19-11560096-G-A.
Other names: c.1447G>A, p.Gly483Arg (NM_001001329.3, NM_001289102.2, NM_001379609.1); c.1477G>A, p.Gly493Arg (NM_001289103.2); c.1456G>A, p.Gly486Arg (NM_001379608.1, NM_002743.3); short protein forms G483R, G486R, G493R.
Identifiers: ClinVar variation 3254876 (VCV003254876.1), dbSNP rs775931511.
Genomic context (GRCh38, chr19:11,449,281, plus strand): 5'-CTGGCCCAGCCGAACCCTCTCGAGCACCCGTCTGCCCATCCCCAGGTGCGCCTCCTGTGC[G>A]GGAAAGAGACCATGGTGACCAGCACCACAGAGCCCAGTCGCTGCGAGTACCTCATGGAGC-3'
Protein context (NP_001276033.1, residues 483-503): NRSTTVRLLC[Gly493Arg]KETMVTSTTE

ClinVar aggregate classification (germline): Uncertain significance (1 of 4 stars; one submission).

Conditions:
Polycystic liver disease 1 (PCLD1). Also called: Polycystic liver disease 1 with or without kidney cysts. Identifiers: Orphanet 2924, MedGen C0887850, MONDO:0008265, OMIM 174050.

Allele frequency attached by ClinVar (database versions not stated): gnomAD exomes below 0.00001; ExAC 0.00001.
gnomAD v4.1: 7 of 1,613,722 alleles (0.00043%); highest among the groups gnomAD compares: Non-Finnish European, 0.00051%; no homozygotes.

Submission:

Victorian Clinical Genetics Services, Murdoch Childrens Research Institute
Classification: Uncertain significance for Polycystic liver disease 1. Last evaluated: 2023-07-17. Review status: criteria provided, single submitter. Criteria: ACMG Guidelines, 2015. Collection method: clinical testing. Allele origin: germline. Inheritance: Autosomal dominant inheritance. Affected: yes.
Comment: Based on the classification scheme VCGS_Germline_v1.3.4, this variant is classified as VUS-3C. Following criteria are met: 0102 - Loss of function is a known mechanism of disease in this gene and is associated with polycystic liver disease 1 (MIM#174050). (I) 0107 - This gene is associated with autosomal dominant disease. (I) 0200 - Variant is predicted to result in a missense amino acid change from glycine to arginine. (I) 0251 - This variant is heterozygous. (I) 0302 - Variant is present in gnomAD (v2) <0.001 for a dominant condition (1 heterozygote, 0 homozygotes). (SP) 0501 - Missense variant consistently predicted to be damaging by multiple in silico tools or highly conserved with a major amino acid change. (SP) 0600 - Variant is located in the annotated glucosidase II beta subunit-like protein domain (DECIPHER). (I) 0705 - No comparable missense variants have previous evidence for pathogenicity. (I) 0807 - This variant has no previous evidence of pathogenicity. (I) 0905 - No published segregation evidence has been identified for this variant. (I) 1007 - No published functional evidence has been identified for this variant. (I) Legend: (SP) - Supporting pathogenic, (I) - Information, (SB) - Supporting benign